The following is an entry in ClinVar:

NM_006231.4(POLE):c.5504C>T (p.Pro1835Leu)

Gene: POLE (DNA polymerase epsilon, catalytic subunit; minus strand). Cytogenetic location: 12q24.33.
Variant type: single nucleotide variant.
Coding change: c.5504C>T on transcript NM_006231.4 (MANE Select); coding-DNA position 5504, C replaced by T.
Protein change: p.Pro1835Leu; replaces proline 1835 with leucine.
Molecular consequence: missense variant.
Genome position (GRCh38, 1-based): chr12:132,639,173, G>A on the plus strand (C>T on the coding strand, the complement: POLE is on the minus strand). VCF-style: chr12-132639173-G-A. GRCh37 (hg19) VCF-style: chr12-133215759-G-A.
Other names: short protein forms P1835L.
Identifiers: ClinVar variation 4806760 (VCV004806760.1).

ClinVar aggregate classification (germline): Uncertain significance (1 of 4 stars; one submission).

Submission:

Labcorp Genetics (formerly Invitae), Labcorp
Classification: Uncertain significance. Last evaluated: 2026-01-02. Review status: criteria provided, single submitter. Criteria: Invitae Variant Classification Sherloc (09022015). Collection method: clinical testing. Allele origin: germline.
Comment: This sequence change replaces proline, which is neutral and non-polar, with leucine, which is neutral and non-polar, at codon 1835 of the POLE protein (p.Pro1835Leu). This variant is not present in population databases (gnomAD no frequency). This variant has not been reported in the literature in individuals affected with POLE-related conditions. Invitae Evidence Modeling of protein sequence and biophysical properties (such as structural, functional, and spatial information, amino acid conservation, physicochemical variation, residue mobility, and thermodynamic stability) indicates that this missense variant is expected to disrupt POLE protein function with a positive predictive value of 80%. In summary, the available evidence is currently insufficient to determine the role of this variant in disease. Therefore, it has been classified as a Variant of Uncertain Significance.